The following is an entry in ClinVar:

NM_003477.3(PDHX):c.565C>T (p.Arg189Cys)

Gene: PDHX (pyruvate dehydrogenase complex component X; plus strand). Cytogenetic location: 11p13.
Variant type: single nucleotide variant.
Coding change: c.565C>T on transcript NM_003477.3 (MANE Select); coding-DNA position 565, C replaced by T.
Protein change: p.Arg189Cys; replaces arginine 189 with cysteine.
Molecular consequence: missense variant. On other transcripts: intron variant (1).
Genome position (GRCh38, 1-based): chr11:34,960,442, C>T. VCF-style: chr11-34960442-C-T. GRCh37 (hg19) VCF-style: chr11-34981989-C-T.
Other names: c.385C>T, p.Arg129Cys (NM_001135024.2); c.342+12836C>T (NM_001166158.2); short protein forms R189C, R129C.
Identifiers: ClinVar variation 661279 (VCV000661279.8), dbSNP rs150572021, ClinGen allele CA5945922.

ClinVar aggregate classification (germline): Uncertain significance. Review status: criteria provided, multiple submitters, no conflicts (2 of 4 stars). 2 submissions from 2 submitters: Uncertain significance (2). Last evaluated 2018-12-14.

Allele frequency attached by ClinVar (database versions not stated): ESP Exome Variant Server 0.00008; TOPMed 0.00002; ExAC 0.00003; gnomAD 0.00001.
gnomAD v4.1: 21 of 1,612,708 alleles (0.0013%); highest among the groups gnomAD compares: South Asian, 0.0055%; no homozygotes.

Submissions (2):

Labcorp Genetics (formerly Invitae), Labcorp
Classification: Uncertain significance. Last evaluated: 2018-12-14. Review status: criteria provided, single submitter. Criteria: Invitae Variant Classification Sherloc (09022015). Collection method: clinical testing. Allele origin: germline.
Comment: In summary, the available evidence is currently insufficient to determine the role of this variant in disease. Therefore, it has been classified as a Variant of Uncertain Significance. Algorithms developed to predict the effect of missense changes on protein structure and function (SIFT, PolyPhen-2, Align-GVGD) all suggest that this variant is likely to be disruptive, but these predictions have not been confirmed by published functional studies and their clinical significance is uncertain. This variant has not been reported in the literature in individuals with PDHX-related disease. This variant is present in population databases (rs150572021, ExAC 0.01%). This sequence change replaces arginine with cysteine at codon 189 of the PDHX protein (p.Arg189Cys). The arginine residue is moderately conserved and there is a large physicochemical difference between arginine and cysteine.

Breakthrough Genomics
Classification: Uncertain significance. Review status: criteria provided, single submitter. Criteria: ACMG Guidelines, 2015. Collection method: not provided. Allele origin: germline. Inheritance: Autosomal recessive inheritance. Affected: yes.